The following is an entry in ClinVar:

ClinVar aggregate classification (germline): Conflicting classifications of pathogenicity. Review status: criteria provided, conflicting classifications (1 of 4 stars). 7 submissions from 6 submitters: Uncertain significance (1); Benign (2); Likely benign (4). Last evaluated 2026-01-13.

Conditions:
Stickler syndrome type 1 (STL1). Also called: STICKLER SYNDROME, MEMBRANOUS VITREOUS TYPE; STICKLER SYNDROME, VITREOUS TYPE 1; ARTHROOPHTHALMOPATHY, HEREDITARY PROGRESSIVE; COL2A1-Related Stickler Syndrome. Identifiers: Orphanet 828, Orphanet 90653, MedGen C2020284, MONDO:0007160, OMIM 108300.
Connective tissue disorder. Also called: Connective tissue disease. Identifiers: MedGen C0009782, MONDO:0003900.
Type 2 collagenopathy. Identifiers: Orphanet 93421, MedGen C2931073, MONDO:0022800.

Allele frequency attached by ClinVar (database versions not stated): gnomAD exomes 0.00010 and 0.00017; ExAC 0.00017; ESP Exome Variant Server 0.00023; gnomAD 0.00048 and 0.00062; 1000 Genomes Project 0.00060; 1000 Genomes Project 30x 0.00062; TOPMed 0.00073.
gnomAD v4.1: 248 of 1,613,738 alleles (0.015%); highest among the groups gnomAD compares: Middle Eastern, 0.2%; 1 homozygote.

Submissions (7):

Labcorp Genetics (formerly Invitae), Labcorp
Classification: Benign. Last evaluated: 2026-01-13. Review status: criteria provided, single submitter. Criteria: Invitae Variant Classification Sherloc (09022015). Collection method: clinical testing. Allele origin: germline.

ARUP Laboratories, Molecular Genetics and Genomics, ARUP Laboratories
Classification: Likely benign. Last evaluated: 2025-02-11. Review status: criteria provided, single submitter. Criteria: ARUP Molecular Germline Variant Investigation Process 2024. Collection method: clinical testing. Allele origin: germline.

Blueprint Genetics
Classification: Likely benign. Last evaluated: 2024-09-13. Review status: criteria provided, single submitter. Criteria: ACMG Guidelines, 2015. Collection method: clinical testing. Allele origin: germline.

GeneDx
Classification: Likely benign. Last evaluated: 2020-06-08. Review status: criteria provided, single submitter. Criteria: GeneDx Variant Classification Process June 2021. Collection method: clinical testing. Allele origin: germline. Affected: yes.

Illumina Laboratory Services, Illumina
Classification: Benign for Type II Collagenopathies. Last evaluated: 2018-01-13. Review status: criteria provided, single submitter. Criteria: ICSL Variant Classification Criteria 13 December 2019. Collection method: clinical testing. Allele origin: germline.
Comment: This variant was observed in the ICSL laboratory as part of a predisposition screen in an ostensibly healthy population. It had not been previously curated by ICSL or reported in the Human Gene Mutation Database (HGMD: prior to June 1st, 2018), and was therefore a candidate for classification through an automated scoring system. Utilizing variant allele frequency, disease prevalence and penetrance estimates, and inheritance mode, an automated score was calculated to assess if this variant is too frequent to cause the disease. Based on the score and internal cut-off values, a variant classified as benign is not then subjected to further curation. The score for this variant resulted in a classification of benign for this disease.

Illumina Laboratory Services, Illumina
Classification: Uncertain significance for Stickler syndrome type 1. Last evaluated: 2018-01-13. Review status: criteria provided, single submitter. Criteria: ICSL Variant Classification Criteria 13 December 2019. Collection method: clinical testing. Allele origin: germline.

Center for Human Genetics, Inc
Classification: Likely benign for Connective tissue disorder. Last evaluated: 2016-11-01. Review status: criteria provided, single submitter. Criteria: ACMG Guidelines, 2015. Collection method: clinical testing. Allele origin: germline. Affected: yes.

NM_001844.5(COL2A1):c.3723C>T (p.Ala1241=)

Gene: COL2A1 (collagen type II alpha 1 chain; minus strand). Cytogenetic location: 12q13.11.
Variant type: single nucleotide variant.
Coding change: c.3723C>T on transcript NM_001844.5 (MANE Select); coding-DNA position 3723, C replaced by T.
Protein change: p.Ala1241=; no amino-acid change (alanine 1241 retained).
Molecular consequence: synonymous variant.
Genome position (GRCh38, 1-based): chr12:47,975,480, G>A on the plus strand (C>T on the coding strand, the complement: COL2A1 is on the minus strand). VCF-style: chr12-47975480-G-A. GRCh37 (hg19) VCF-style: chr12-48369263-G-A.
Other names: c.3516C>T, p.Ala1172= (NM_033150.3).
Identifiers: ClinVar variation 547262 (VCV000547262.25), dbSNP rs200993187, ClinGen allele CA6534656.